The following is an entry in ClinVar:

ClinVar aggregate classification (germline): Uncertain significance (1 of 4 stars; one submission).

Conditions:
Neurofibromatosis, type 1 (NF1). Also called: NEUROFIBROMATOSIS, TYPE I, SOMATIC; Peripheral type neurofibromatosis; VON RECKLINGHAUSEN DISEASE; Neurofibromatosis, type I. Identifiers: Orphanet 636, MedGen C0027831, MONDO:0018975, OMIM 162200. Disease mechanism: loss of function.

Allele frequency attached by ClinVar (database versions not stated): gnomAD exomes below 0.00001.
gnomAD v4.1: 1 of 1,614,114 alleles (0.000062%); highest among the groups gnomAD compares: Non-Finnish European, 0.000085%; no homozygotes.

Submission:

Labcorp Genetics (formerly Invitae), Labcorp
Classification: Uncertain significance for Neurofibromatosis, type 1. Last evaluated: 2022-11-10. Review status: criteria provided, single submitter. Criteria: Invitae Variant Classification Sherloc (09022015). Collection method: clinical testing. Allele origin: germline.
Comment: This sequence change replaces cysteine, which is neutral and slightly polar, with tyrosine, which is neutral and polar, at codon 1233 of the NF1 protein (p.Cys1233Tyr). This variant is not present in population databases (gnomAD no frequency). In summary, the available evidence is currently insufficient to determine the role of this variant in disease. Therefore, it has been classified as a Variant of Uncertain Significance. Advanced modeling of protein sequence and biophysical properties (such as structural, functional, and spatial information, amino acid conservation, physicochemical variation, residue mobility, and thermodynamic stability) has been performed at Invitae for this missense variant, however the output from this modeling did not meet the statistical confidence thresholds required to predict the impact of this variant on NF1 protein function. This variant has not been reported in the literature in individuals affected with NF1-related conditions.

NM_001042492.3(NF1):c.3698G>A (p.Cys1233Tyr)

Gene: NF1 (neurofibromin 1; plus strand). Cytogenetic location: 17q11.2.
Variant type: single nucleotide variant.
Coding change: c.3698G>A on transcript NM_001042492.3 (MANE Select); coding-DNA position 3698, G replaced by A.
Protein change: p.Cys1233Tyr; replaces cysteine 1233 with tyrosine.
Molecular consequence: missense variant.
Genome position (GRCh38, 1-based): chr17:31,233,203, G>A. VCF-style: chr17-31233203-G-A. GRCh37 (hg19) VCF-style: chr17-29560221-G-A.
Other names: c.3698G>A, p.Cys1233Tyr (NM_000267.4); short protein forms C1233Y.
Identifiers: ClinVar variation 2813412 (VCV002813412.3), dbSNP rs2067145365, ClinGen allele CA398990716.
Genomic context (GRCh38, chr17:31,233,203, plus strand): 5'-CAATGATGGGTGATCAAGGAGAACTCCCTATAGCGATGGCTCTGGCCAATGTGGTTCCTT[G>A]TTCTCAGTGGGTAAGTGATTAGAGTAAGCGGGGAAGAAAAGTGCCTGGCACATAGCAAAT-3'
Protein context (NP_001035957.1, residues 1223-1243): IAMALANVVP[Cys1233Tyr]SQWDELARVL